The following is an entry in ClinVar:

ClinVar aggregate classification (germline): Uncertain significance. Review status: criteria provided, multiple submitters, no conflicts (2 of 4 stars). 4 submissions from 4 submitters: Uncertain significance (3). 1 of the submissions does not count toward it. Last evaluated 2025-08-18.

Conditions:
Autosomal recessive limb-girdle muscular dystrophy type 2A (LGMDR1). Also called: Muscular dystrophy, limb-girdle, type 2A, Amish; Limb-girdle muscular dystrophy, type 2A; Calpainopathy; LEYDEN-MOEBIUS MUSCULAR DYSTROPHY; MUSCULAR DYSTROPHY, PELVOFEMORAL. Identifiers: Orphanet 267, MedGen C1869123, MONDO:0009675, OMIM 253600. Disease mechanism: loss of function.
CAPN3-related disorder. Also called: CAPN3-related disorders; CAPN3-related condition. Identifiers: MedGen CN239245.

Allele frequency attached by ClinVar (database versions not stated): ExAC 0.00001; gnomAD 0.00001 and 0.00003; gnomAD exomes 0.00003 and 0.00005; TOPMed 0.00003.
gnomAD v4.1: 76 of 1,614,010 alleles (0.0047%); highest among the groups gnomAD compares: East Asian, 0.11%; no homozygotes.

Submissions (4):

PreventionGenetics, part of Exact Sciences
Classification: Uncertain significance for CAPN3-related condition. Last evaluated: 2025-08-18. Review status: criteria provided, single submitter. Criteria: ACMG Guidelines, 2015. Collection method: clinical testing. Allele origin: germline.
Comment: The CAPN3 c.163G>A variant is predicted to result in the amino acid substitution p.Gly55Arg. This variant was reported in several individuals with features of limb-girdle muscular dystrophy without further evidence for pathogenicity (Alharbi et al. 2021. PubMed ID: 34355366). This variant is reported in 0.027% of alleles in individuals of East Asian descent in gnomAD. At this time, the clinical significance of this variant is uncertain due to the absence of conclusive functional and genetic evidence.

Labcorp Genetics (formerly Invitae), Labcorp
Classification: Uncertain significance for Autosomal recessive limb-girdle muscular dystrophy type 2A. Last evaluated: 2025-04-03. Review status: criteria provided, single submitter. Criteria: Invitae Variant Classification Sherloc (09022015). Collection method: clinical testing. Allele origin: germline.
Comment: This sequence change replaces glycine, which is neutral and non-polar, with arginine, which is basic and polar, at codon 55 of the CAPN3 protein (p.Gly55Arg). This variant is present in population databases (rs753338235, gnomAD 0.03%). This missense change has been observed in individual(s) with clinical features of autosomal recessive limb-girdle muscular dystrophy (PMID: 34355366). ClinVar contains an entry for this variant (Variation ID: 654337). Invitae Evidence Modeling of protein sequence and biophysical properties (such as structural, functional, and spatial information, amino acid conservation, physicochemical variation, residue mobility, and thermodynamic stability) has been performed for this missense variant. However, the output from this modeling did not meet the statistical confidence thresholds required to predict the impact of this variant on CAPN3 protein function. Algorithms developed to predict the effect of sequence changes on RNA splicing suggest that this variant may create or strengthen a splice site. In summary, the available evidence is currently insufficient to determine the role of this variant in disease. Therefore, it has been classified as a Variant of Uncertain Significance.

Revvity Omics, Revvity
Classification: Uncertain significance. Last evaluated: 2022-04-08. Review status: criteria provided, single submitter. Criteria: ACMG Guidelines, 2015. Collection method: clinical testing. Allele origin: germline.

Natera, Inc.
Classification: Uncertain significance for Limb-girdle muscular dystrophy type 2A. Last evaluated: 2020-09-16. Review status: no assertion criteria provided. Collection method: clinical testing. Allele origin: germline. Not counted in ClinVar's aggregate classification.

Literature cited by the submitters: PubMed 34355366 (cited by Labcorp Genetics (formerly Invitae), Labcorp).

NM_000070.3(CAPN3):c.163G>A (p.Gly55Arg)

Gene: CAPN3 (calpain 3; plus strand). Cytogenetic location: 15q15.1.
Variant type: single nucleotide variant.
Coding change: c.163G>A on transcript NM_000070.3 (MANE Select); coding-DNA position 163, G replaced by A.
Protein change: p.Gly55Arg; replaces glycine 55 with arginine.
Molecular consequence: missense variant.
Genome position (GRCh38, 1-based): chr15:42,359,968, G>A. VCF-style: chr15-42359968-G-A. GRCh37 (hg19) VCF-style: chr15-42652166-G-A.
Other names: c.163G>A, p.Gly55Arg (NM_024344.2, NM_173087.2); short protein forms G55R.
Identifiers: ClinVar variation 654337 (VCV000654337.10), dbSNP rs753338235, ClinGen allele CA7510866.
Genomic context (GRCh38, chr15:42,359,968, plus strand): 5'-GGGGGTGGAAACCCAAGTGGCATCTATTCAGCCATCATCAGCCGCAATTTTCCTATTATC[G>A]GAGTGAAAGAGAAGACATTCGAGCAACTTCACAAGAAATGTCTAGAAAAGAAAGTTCTTT-3'
Protein context (NP_000061.1, residues 45-65): AIISRNFPII[Gly55Arg]VKEKTFEQLH